The following is an entry in ClinVar:

ClinVar aggregate classification (germline): Likely benign (3 of 4 stars; one submission).

Conditions:
Breast-ovarian cancer, familial, susceptibility to, 1 (BROVCA1). Also called: BRCA1 Hereditary Breast and Ovarian Cancer; OVARIAN CANCER, SUSCEPTIBILITY TO. Identifiers: Orphanet 145, MedGen C2676676, MONDO:0011450, OMIM 604370. Disease mechanism: loss of function.

Submissions (2):

Evidence-based Network for the Interpretation of Germline Mutant Alleles (ENIGMA)
Classification: Likely benign for Breast-ovarian cancer, familial, susceptibility to, 1. Last evaluated: 2017-06-29. Review status: reviewed by expert panel. Criteria: ENIGMA BRCA1/2 Classification Criteria (2017-06-29). Collection method: curation. Allele origin: germline.
Comment: Synonymous substitution variant, with low bioinformatic likelihood to result in a splicing aberration (Splicing prior probability 0.02).

Brotman Baty Institute, University of Washington
No classification provided (evidence only). Condition: Breast-ovarian cancer, familial 1. Review status: no classification provided. Collection method: in vitro. Allele origin: not applicable. Functional consequence: functionally_normal. Not counted in ClinVar's aggregate classification.
ClinVar note: "not provided" was previously submitted as the classification for the variant. However, the classification appeared to be based only on an observation of functional data so it was converted to no classification on 2025-07-30.

NM_007294.4(BRCA1):c.153T>G (p.Leu51=)

Gene: BRCA1 (BRCA1 DNA repair associated; minus strand). Cytogenetic location: 17q21.31.
Variant type: single nucleotide variant.
Coding change: c.153T>G on transcript NM_007294.4 (MANE Select); coding-DNA position 153, T replaced by G.
Protein change: p.Leu51=; no amino-acid change (leucine 51 retained).
Molecular consequence: synonymous variant. On other transcripts: 5 prime UTR variant (61), intron variant (34).
Genome position (GRCh38, 1-based): chr17:43,106,515, A>C on the plus strand (T>G on the coding strand, the complement: BRCA1 is on the minus strand). VCF-style: chr17-43106515-A-C. GRCh37 (hg19) VCF-style: chr17-41258532-A-C.
Other names: c.-36T>G (NM_001407571.1, NM_001407853.1, NM_001407879.1 and 58 more transcripts); c.153T>G, p.Leu51= (NM_001407581.1, NM_001407582.1, NM_001407583.1 and 168 more transcripts); c.12T>G, p.Leu4= (NM_001407692.1, NM_001407694.1, NM_001407695.1 and 99 more transcripts); c.-218-11655T>G (NM_001407967.1, NM_001407966.1); c.-169-1559T>G (NM_001407959.1, NM_001407962.1, NM_001408512.1 and 4 more transcripts); c.81-1559T>G (NM_001408451.1); c.135-1559T>G (NM_001408475.1, NM_001407875.1, NM_001407659.1 and 21 more transcripts).
Identifiers: ClinVar variation 427270 (VCV000427270.6), dbSNP rs1131692081, ClinGen allele CA500128206.